The following is an entry in ClinVar:

ClinVar aggregate classification (germline): Likely benign. Review status: criteria provided, multiple submitters, no conflicts (2 of 4 stars). 5 submissions from 5 submitters: Likely benign (5). Last evaluated 2025-06-22.

Conditions:
Cardiovascular phenotype. Identifiers: MedGen CN230736.
Cardiomyopathy (CMYO). Also called: Cardiomyopathies. Identifiers: Orphanet 167848, MedGen C0878544, MONDO:0004994, HP:0001638. Inheritance: Various modes of inheritance.
Hypertrophic cardiomyopathy. Also called: HYPERTROPHIC MYOCARDIOPATHY. Identifiers: Orphanet 217569, MedGen C0007194, MeSH D002312, MONDO:0005045, HP:0001639.

Allele frequency attached by ClinVar (database versions not stated): gnomAD exomes 0.00001.
gnomAD v4.1: 13 of 1,610,954 alleles (0.00081%); highest among the groups gnomAD compares: Non-Finnish European, 0.001%; no homozygotes.

Submissions (5):

Ambry Genetics
Classification: Likely benign for Cardiovascular phenotype. Last evaluated: 2025-06-22. Review status: criteria provided, single submitter. Criteria: Ambry Variant Classification Scheme 2023. Collection method: clinical testing. Allele origin: germline.

Labcorp Genetics (formerly Invitae), Labcorp
Classification: Likely benign for Hypertrophic cardiomyopathy. Last evaluated: 2024-01-31. Review status: criteria provided, single submitter. Criteria: Invitae Variant Classification Sherloc (09022015). Collection method: clinical testing. Allele origin: germline.

All of Us Research Program, National Institutes of Health
Classification: Likely benign for Hypertrophic cardiomyopathy. Last evaluated: 2023-04-03. Review status: criteria provided, single submitter. Criteria: ACMG Guidelines, 2015. Collection method: clinical testing. Allele origin: germline. Inheritance: Autosomal dominant inheritance. Observed: 1 variant allele, 1 heterozygote.
Comment: This study involves interpretation of variants in research participants for the purpose of population health screening. Participant phenotype was not available at the time of variant classification. Additional details can be found in publication PMID: 35346344, PMCID: PMC8962531

Color Diagnostics, LLC DBA Color Health
Classification: Likely benign for Cardiomyopathy. Last evaluated: 2019-08-20. Review status: criteria provided, single submitter. Criteria: ACMG Guidelines, 2015. Collection method: clinical testing. Allele origin: germline.

Laboratory for Molecular Medicine, Mass General Brigham Personalized Medicine
Classification: Likely benign. Last evaluated: 2015-03-27. Review status: criteria provided, single submitter. Criteria: LMM Criteria. Collection method: clinical testing. Allele origin: germline. Observed: 2 variant alleles.
Comment: p.Ile1029Ile in exon 29 of MYBPC3: This variant is not expected to have clinical significance because it does not alter an amino acid residue and is not located within the splice consensus sequence.

NM_000256.3(MYBPC3):c.3087C>T (p.Ile1029=)

Gene: MYBPC3 (myosin binding protein C3; minus strand). Cytogenetic location: 11p11.2.
Variant type: single nucleotide variant.
Coding change: c.3087C>T on transcript NM_000256.3 (MANE Select); coding-DNA position 3087, C replaced by T.
Protein change: p.Ile1029=; no amino-acid change (isoleucine 1029 retained).
Molecular consequence: synonymous variant.
Genome position (GRCh38, 1-based): chr11:47,333,660, G>A on the plus strand (C>T on the coding strand, the complement: MYBPC3 is on the minus strand). VCF-style: chr11-47333660-G-A. GRCh37 (hg19) VCF-style: chr11-47355211-G-A.
Identifiers: ClinVar variation 42685 (VCV000042685.11), dbSNP rs201515977, ClinGen allele CA013444.